The following is an entry in ClinVar:

ClinVar aggregate classification (germline): Likely benign (1 of 4 stars; one submission).

Conditions:
CUL4B-related disorder. Also called: CUL4B-related condition.

Submission:

PreventionGenetics, part of Exact Sciences
Classification: Likely benign for CUL4B-related condition. Last evaluated: 2025-12-30. Review status: criteria provided, single submitter. Criteria: ACMG Guidelines, 2015. Collection method: clinical testing. Allele origin: germline.
Comment: This variant is classified as likely benign based on ACMG/AMP sequence variant interpretation guidelines (Richards et al. 2015 PMID: 25741868, with internal and published modifications).

NM_001079872.2(CUL4B):c.2161-7T>C

Gene: CUL4B (cullin 4B; minus strand). Cytogenetic location: Xq24.
Variant type: single nucleotide variant.
Coding change: c.2161-7T>C on transcript NM_001079872.2 (MANE Select); 7 bases into the intron before coding-DNA position 2161, T replaced by C.
Molecular consequence: intron variant.
Genome position (GRCh38, 1-based): chrX:120,534,593, A>G on the plus strand (T>C on the coding strand, the complement: CUL4B is on the minus strand). VCF-style: chrX-120534593-A-G. GRCh37 (hg19) VCF-style: chrX-119668448-A-G.
Other names: c.2215-7T>C (NM_003588.4); c.2176-7T>C (NM_001330624.2); c.1627-7T>C (NM_001369145.1).
Identifiers: ClinVar variation 4978174 (VCV004978174.1).
Genomic context (GRCh38, chrX:120,534,593, plus strand): 5'-AAACATTAGCAGCACCAGTGTTTGAAAAAGAGAGACCTGGAGTTCCTTTTTACCCTGTTG[A>G]AGAAATAAAAGTGTTTAGTCATCACTTTTTTAAAAACACATGAAAAATTAATCATCTCTT-3'